The following is an entry in ClinVar:

ClinVar aggregate classification (germline): Uncertain significance (1 of 4 stars; one submission).

Conditions:
Cardiovascular phenotype. Identifiers: MedGen CN230736.

gnomAD v4.1: 2 of 1,613,022 alleles (0.00012%); highest among the groups gnomAD compares: South Asian, 0.0022%; no homozygotes.

Submission:

Ambry Genetics
Classification: Uncertain significance for Cardiovascular phenotype. Last evaluated: 2020-01-02. Review status: criteria provided, single submitter. Criteria: Ambry Variant Classification Scheme 2023. Collection method: clinical testing. Allele origin: germline.
Comment: The p.A664S variant (also known as c.1990G>T), located in coding exon 4 of the JPH2 gene, results from a G to T substitution at nucleotide position 1990. The alanine at codon 664 is replaced by serine, an amino acid with similar properties. This amino acid position is not well conserved in available vertebrate species. In addition, this alteration is predicted to be tolerated by in silico analysis. Since supporting evidence is limited at this time, the clinical significance of this alteration remains unclear.

NM_020433.5(JPH2):c.1990G>T (p.Ala664Ser)

Gene: JPH2 (junctophilin 2; minus strand). Cytogenetic location: 20q13.12.
Variant type: single nucleotide variant.
Coding change: c.1990G>T on transcript NM_020433.5 (MANE Select); coding-DNA position 1990, G replaced by T.
Protein change: p.Ala664Ser; replaces alanine 664 with serine.
Molecular consequence: missense variant.
Genome position (GRCh38, 1-based): chr20:44,115,685, C>A on the plus strand (G>T on the coding strand, the complement: JPH2 is on the minus strand). VCF-style: chr20-44115685-C-A. GRCh37 (hg19) VCF-style: chr20-42744325-C-A.
Other names: short protein forms A664S.
Identifiers: ClinVar variation 1783972 (VCV001783972.2), dbSNP rs886039086, ClinGen allele CA409099535.
Genomic context (GRCh38, chr20:44,115,685, plus strand): 5'-GGGAACCCGACCTTAGGCACACCTTGCCCGACAGCCTCACCTCTTCCACCTCCACCTCCG[C>A]CTCTGCCGCCAGTGCGGCCTCCTTCCGCGCCTTCTTCTTGGCCCCCGCCTTGGTCAGCCC-3'
Protein context (NP_065166.2, residues 654-674): ARKEAALAAE[Ala664Ser]EVEVEEVPNT